The following is an entry in ClinVar:

NM_001009944.3(PKD1):c.8119G>A (p.Val2707Met)

Gene: PKD1 (polycystin 1, transient receptor potential channel interacting; minus strand). Cytogenetic location: 16p13.3.
Variant type: single nucleotide variant.
Coding change: c.8119G>A on transcript NM_001009944.3 (MANE Select); coding-DNA position 8119, G replaced by A.
Protein change: p.Val2707Met; replaces valine 2707 with methionine.
Molecular consequence: missense variant.
Genome position (GRCh38, 1-based): chr16:2,104,540, C>T on the plus strand (G>A on the coding strand, the complement: PKD1 is on the minus strand). VCF-style: chr16-2104540-C-T. GRCh37 (hg19) VCF-style: chr16-2154541-C-T.
Other names: c.8119G>A, p.Val2707Met (NM_000296.4); c.8119G>A (NM_001009944.2); short protein forms V2707M.
Identifiers: ClinVar variation 811138 (VCV000811138.15), dbSNP rs139507058, ClinGen allele CA7830716.

ClinVar aggregate classification (germline): Conflicting classifications of pathogenicity. Review status: criteria provided, conflicting classifications (1 of 4 stars). 6 submissions from 6 submitters: Uncertain significance (1); Benign (1); Likely benign (2). 2 of the submissions do not count toward it. Last evaluated 2026-02-26.

Conditions:
Polycystic kidney disease, adult type (PKD1). Also called: POLYCYSTIC KIDNEY DISEASE, ADULT, TYPE I; Polycystic Kidney Disease 1, Autosomal Dominant; Polycystic kidney disease 1; Polycystic kidney disease 1, severe; Polycystic Kidney, Autosomal Dominant; POLYCYSTIC KIDNEY DISEASE 1 WITH OR WITHOUT POLYCYSTIC LIVER DISEASE. Identifiers: MedGen C3149841, MONDO:0008263, OMIM 173900.
Polycystic kidney disease. Also called: Kidney, Polycystic; Polycystic kidney dysplasia. Identifiers: MedGen C0022680, MeSH D007690, MONDO:0020642, HP:0000113.
PKD1-related disorder. Also called: PKD1-related condition.

Allele frequency attached by ClinVar (database versions not stated): gnomAD exomes 0.00031 and 0.00067; ExAC 0.00135; 1000 Genomes Project 0.00220; gnomAD 0.00248 and 0.00267; ESP Exome Variant Server 0.00268; 1000 Genomes Project 30x 0.00297; TOPMed 0.00297.

Submissions (6):

Women's Health and Genetics/Laboratory Corporation of America, LabCorp
Classification: Uncertain significance. Last evaluated: 2026-02-26. Review status: criteria provided, single submitter. Criteria: LabCorp Variant Classification Summary - May 2015. Collection method: clinical testing. Allele origin: germline.
Comment: Variant summary: PKD1 c.8119G>A (p.Val2707Met) results in a conservative amino acid change in the encoded protein sequence. Algorithms developed to predict the effect of missense changes on protein structure and function all suggest that this variant is likely to be tolerated. The variant allele was found at a frequency of 0.00067 in 152840 control chromosomes (gnomAD). This frequency is not significantly higher than estimated for disease-causing variants in PKD1, allowing no conclusion about variant significance. c.8119G>A has been observed in an individual affected with early onset cystic kidneys with a different missense variant in cis and another in trans (Bekheirnia_2021). This report does not provide unequivocal conclusions about association of the variant with PKD1-Biallelic Autosomal Recessive Polycystic Kidney Disease. To our knowledge, no experimental evidence demonstrating an impact on protein function has been reported. The following publication has been ascertained in the context of this evaluation (PMID: 35368817). ClinVar contains an entry for this variant (Variation ID: 811138). Based on the evidence outlined above, the variant was classified as uncertain significance.

Blueprint Genetics
Classification: Likely benign. Last evaluated: 2024-07-15. Review status: criteria provided, single submitter. Criteria: ACMG Guidelines, 2015. Collection method: clinical testing. Allele origin: germline.

Athena Diagnostics
Classification: Benign. Last evaluated: 2020-02-07. Review status: criteria provided, single submitter. Criteria: Athena Diagnostics Criteria. Collection method: clinical testing. Allele origin: unknown.

ARUP Laboratories, Molecular Genetics and Genomics, ARUP Laboratories
Classification: Likely benign for Polycystic kidney disease, adult type. Last evaluated: 2018-10-01. Review status: criteria provided, single submitter. Criteria: ARUP Molecular Germline Variant Investigation Process. Collection method: clinical testing. Allele origin: germline.

PreventionGenetics, part of Exact Sciences
Classification: Benign for PKD1-related condition. Last evaluated: 2021-06-04. Review status: no assertion criteria provided. Collection method: clinical testing. Allele origin: germline. Not counted in ClinVar's aggregate classification.
Comment: This variant is classified as benign based on ACMG/AMP sequence variant interpretation guidelines (Richards et al. 2015 PMID: 25741868, with internal and published modifications).

Department of Pathology and Laboratory Medicine, Sinai Health System
Classification: Likely benign for Polycystic Kidney disease. Review status: no assertion criteria provided. Collection method: clinical testing. Allele origin: unknown. Affected: yes. Study: The Canadian Open Genetics Repository (COGR). Not counted in ClinVar's aggregate classification.
Comment: The PKD1 p.Val2707Met variant was not identified in the literature nor was it identified in the ClinVar, COGR, LOVD 3.0, ADPKD Mutation Database, or PKD1-LOVD. The variant was identified in the dbSNP (ID: rs139507058) database and in 168 of 176642 chromosomes at a frequency of 0.001 increasing the likelihood this could be a low frequency benign variant (Genome Aggregation Database Feb 27, 2017). The variant was observed in the following populations: African in 137 of 15520 chromosomes (freq: 0.009), Other in 1 of 4782 chromosomes (freq: 0.0002), Latino in 8 of 25290 chromosomes (freq: 0.0003), European in 4 of 71094 chromosomes (freq: 0.00006), Ashkenazi Jewish in 15 of 8430 chromosomes (freq: 0.002), and South Asian in 3 of 23200 chromosomes (freq: 0.0001); it was not observed in the East Asian, and Finnish populations. The p.Val2707 residue is not conserved in mammals and computational analyses (PolyPhen-2, SIFT, AlignGVGD, BLOSUM, MutationTaster) do not suggest a high likelihood of impact to the protein; however, this information is not predictive enough to rule out pathogenicity. The variant occurs outside of the splicing consensus sequence and in silico or computational prediction software programs (SpliceSiteFinder, MaxEntScan, NNSPLICE, GeneSplicer) do not predict a difference in splicing. In summary, based on the above information the clinical significance of this variant cannot be determined with certainty at this time although we would lean towards a more benign role for this variant. This variant is classified as likely benign.

Literature cited by the submitters: PubMed 35368817 (cited by Women's Health and Genetics/Laboratory Corporation of America, LabCorp).